The following is an entry in ClinVar:

NC_000004.12:g.(?_54270623)_(54295282_?)dup

Gene: PDGFRA (platelet derived growth factor receptor alpha; plus strand). Cytogenetic location: 4q12.
Variant type: Duplication.
Identifiers: ClinVar variation 831398 (VCV000831398.3).

ClinVar aggregate classification (germline): Uncertain significance (1 of 4 stars; one submission).

Conditions:
Gastrointestinal stromal tumor. Also called: Gastrointestinal stromal tumor, somatic; Gastrointestinal stroma tumor. Identifiers: Orphanet 44890, MedGen C0238198, MeSH D046152, MONDO:0011719, OMIM 606764, HP:0100723.

Submission:

Labcorp Genetics (formerly Invitae), Labcorp
Classification: Uncertain significance for Gastrointestinal stromal tumor. Last evaluated: 2019-04-20. Review status: criteria provided, single submitter. Criteria: Invitae Variant Classification Sherloc (09022015). Collection method: clinical testing. Allele origin: germline.
Comment: Experimental studies and prediction algorithms are not available for this variant, and the functional significance of the affected amino acid(s) is currently unknown. This variant has not been reported in the literature in individuals with PDGFRA-related conditions. This variant results in a copy number gain of the genomic region encompassing exons 8 to 23 of the PDGFRA gene. The 5' boundary is likely confined to intron 7. The 3' end of this event is unknown as it extends beyond the assayed region for this gene and therefore may encompass additional genes. As the precise location of this event is unknown, it may be in tandem or it may be located elsewhere in the genome. In summary, the available evidence is currently insufficient to determine the role of this variant in disease. Therefore, it has been classified as a Variant of Uncertain Significance.